The following is an entry in ClinVar:

NM_001903.5(CTNNA1):c.694C>G (p.Pro232Ala)

Gene: CTNNA1 (catenin alpha 1; plus strand). Cytogenetic location: 5q31.2.
Variant type: single nucleotide variant.
Coding change: c.694C>G on transcript NM_001903.5 (MANE Select); coding-DNA position 694, C replaced by G.
Protein change: p.Pro232Ala; replaces proline 232 with alanine.
Molecular consequence: missense variant.
Genome position (GRCh38, 1-based): chr5:138,824,635, C>G. VCF-style: chr5-138824635-C-G. GRCh37 (hg19) VCF-style: chr5-138160324-C-G.
Other names: c.694C>G, p.Pro232Ala (NM_001290307.3, NM_001323982.2, NM_001323983.1 and 3 more transcripts); c.385C>G, p.Pro129Ala (NM_001290309.3); c.325C>G, p.Pro109Ala (NM_001290310.3); short protein forms P232A, P109A, P129A.
Identifiers: ClinVar variation 1500474 (VCV001500474.6), dbSNP rs2149775967, ClinGen allele CA361129748.

ClinVar aggregate classification (germline): Uncertain significance (1 of 4 stars; one submission).

Submission:

Labcorp Genetics (formerly Invitae), Labcorp
Classification: Uncertain significance. Last evaluated: 2023-02-11. Review status: criteria provided, single submitter. Criteria: Invitae Variant Classification Sherloc (09022015). Collection method: clinical testing. Allele origin: germline.
Comment: In summary, the available evidence is currently insufficient to determine the role of this variant in disease. Therefore, it has been classified as a Variant of Uncertain Significance. Advanced modeling of protein sequence and biophysical properties (such as structural, functional, and spatial information, amino acid conservation, physicochemical variation, residue mobility, and thermodynamic stability) performed at Invitae indicates that this missense variant is not expected to disrupt CTNNA1 protein function. ClinVar contains an entry for this variant (Variation ID: 1500474). This variant has not been reported in the literature in individuals affected with CTNNA1-related conditions. This variant is not present in population databases (gnomAD no frequency). This sequence change replaces proline, which is neutral and non-polar, with alanine, which is neutral and non-polar, at codon 232 of the CTNNA1 protein (p.Pro232Ala).